The following is an entry in ClinVar:

ClinVar aggregate classification (germline): Uncertain significance (1 of 4 stars; one submission).

Allele frequency attached by ClinVar (database versions not stated): gnomAD exomes below 0.00001; ExAC 0.00001.

Submission:

Labcorp Genetics (formerly Invitae), Labcorp
Classification: Uncertain significance. Last evaluated: 2022-06-15. Review status: criteria provided, single submitter. Criteria: Invitae Variant Classification Sherloc (09022015). Collection method: clinical testing. Allele origin: germline.
Comment: In summary, the available evidence is currently insufficient to determine the role of this variant in disease. Therefore, it has been classified as a Variant of Uncertain Significance. This sequence change replaces tyrosine, which is neutral and polar, with histidine, which is basic and polar, at codon 1009 of the NPHS1 protein (p.Tyr1009His). This variant is not present in population databases (gnomAD no frequency). This variant has not been reported in the literature in individuals affected with NPHS1-related conditions. Advanced modeling of protein sequence and biophysical properties (such as structural, functional, and spatial information, amino acid conservation, physicochemical variation, residue mobility, and thermodynamic stability) performed at Invitae indicates that this missense variant is expected to disrupt NPHS1 protein function.

NM_004646.4(NPHS1):c.3025T>C (p.Tyr1009His)

Gene: NPHS1 (NPHS1 adhesion molecule, nephrin; minus strand). Cytogenetic location: 19q13.12.
Variant type: single nucleotide variant.
Coding change: c.3025T>C on transcript NM_004646.4 (MANE Select); coding-DNA position 3025, T replaced by C.
Protein change: p.Tyr1009His; replaces tyrosine 1009 with histidine.
Molecular consequence: missense variant.
Genome position (GRCh38, 1-based): chr19:35,839,321, A>G on the plus strand (T>C on the coding strand, the complement: NPHS1 is on the minus strand). VCF-style: chr19-35839321-A-G. GRCh37 (hg19) VCF-style: chr19-36330223-A-G.
Other names: short protein forms Y1009H.
Identifiers: ClinVar variation 2007108 (VCV002007108.4), dbSNP rs769945896, ClinGen allele CA9389946.